The following is an entry in ClinVar:

NM_001085458.2(CTNND1):c.2299T>C (p.Ser767Pro)

Genes: CTNND1 (catenin delta 1; plus strand), TMX2-CTNND1 (TMX2-CTNND1 readthrough (NMD candidate); plus strand). Cytogenetic location: 11q12.1.
Variant type: single nucleotide variant.
Coding change: c.2299T>C on transcript NM_001085458.2 (MANE Select); coding-DNA position 2299, T replaced by C.
Protein change: p.Ser767Pro; replaces serine 767 with proline.
Molecular consequence: missense variant. On other transcripts: non-coding transcript variant (1).
Genome position (GRCh38, 1-based): chr11:57,809,330, T>C. VCF-style: chr11-57809330-T-C. GRCh37 (hg19) VCF-style: chr11-57576802-T-C.
Other names: c.2281T>C, p.Ser761Pro (NM_001085459.2, NM_001085460.2, NM_001085461.2 and 2 more transcripts); c.1996T>C, p.Ser666Pro (NM_001085463.2, NM_001085466.2); c.1978T>C, p.Ser660Pro (NM_001085464.2, NM_001085465.2, NM_001085467.2 and 3 more transcripts); c.2137T>C, p.Ser713Pro (NM_001206883.2, NM_001206884.2); c.2299T>C, p.Ser767Pro (NM_001206885.2); c.2119T>C, p.Ser707Pro (NM_001206886.2, NM_001206887.2, NM_001206888.2 and 2 more transcripts); short protein forms S660P, S666P, S707P, S713P, S761P, S767P.
Identifiers: ClinVar variation 3898951 (VCV003898951.1).

ClinVar aggregate classification (germline): Uncertain significance (1 of 4 stars; one submission).

gnomAD v4.1: 17 of 1,613,882 alleles (0.0011%); highest among the groups gnomAD compares: Non-Finnish European, 0.00034%; no homozygotes.

Submission:

GeneDx
Classification: Uncertain significance. Last evaluated: 2024-11-06. Review status: criteria provided, single submitter. Criteria: GeneDx Variant Classification Process June 2021. Collection method: clinical testing. Allele origin: germline. Affected: yes.
Comment: In silico analysis indicates that this missense variant does not alter protein structure/function; Has not been previously published as pathogenic or benign to our knowledge